The following is an entry in ClinVar:

ClinVar aggregate classification (germline): Uncertain significance (1 of 4 stars; one submission).

Conditions:
Autoimmune interstitial lung disease-arthritis syndrome. Also called: Autoinflammation and autoimmunity, systemic, with immune dysregulation. Identifiers: Orphanet 444092, MedGen C5975714, MONDO:0014629.

Allele frequency attached by ClinVar (database versions not stated): gnomAD exomes below 0.00001; ExAC 0.00003.
gnomAD v4.1: 5 of 1,600,636 alleles (0.00031%); highest among the groups gnomAD compares: Admixed American, 0.0053%; no homozygotes.

Submission:

Labcorp Genetics (formerly Invitae), Labcorp
Classification: Uncertain significance for Autoimmune interstitial lung disease-arthritis syndrome. Last evaluated: 2022-11-11. Review status: criteria provided, single submitter. Criteria: Invitae Variant Classification Sherloc (09022015). Collection method: clinical testing. Allele origin: germline.
Comment: This sequence change falls in intron 23 of the COPA gene. It does not directly change the encoded amino acid sequence of the COPA protein. It affects a nucleotide within the consensus splice site. This variant is present in population databases (rs779765364, gnomAD 0.01%). This variant has not been reported in the literature in individuals affected with COPA-related conditions. Variants that disrupt the consensus splice site are a relatively common cause of aberrant splicing (PMID: 17576681, 9536098). Algorithms developed to predict the effect of sequence changes on RNA splicing suggest that this variant is not likely to affect RNA splicing. In summary, the available evidence is currently insufficient to determine the role of this variant in disease. Therefore, it has been classified as a Variant of Uncertain Significance.

Literature cited by the submitters: PubMed 17576681; PubMed 9536098.

NM_004371.4(COPA):c.2476+5G>A

Gene: COPA (coat protein complex I subunit alpha; minus strand). Cytogenetic location: 1q23.2.
Variant type: single nucleotide variant.
Coding change: c.2476+5G>A on transcript NM_004371.4 (MANE Select); 5 bases into the intron after coding-DNA position 2476, G replaced by A.
Molecular consequence: intron variant.
Genome position (GRCh38, 1-based): chr1:160,295,731, C>T on the plus strand (G>A on the coding strand, the complement: COPA is on the minus strand). VCF-style: chr1-160295731-C-T. GRCh37 (hg19) VCF-style: chr1-160265521-C-T.
Other names: c.2503+5G>A (NM_001098398.2).
Identifiers: ClinVar variation 3019755 (VCV003019755.3), dbSNP rs779765364, ClinGen allele CA1197887.
Genomic context (GRCh38, chr1:160,295,731, plus strand): 5'-TATTCTCTAGGACAGTTCTTCACAAAACAAACAACAAAAGTGCTATGGGAGAAATAGGTA[C>T]TTACCTTTGCTGGCAATGGTGCCTTCAAAAAATCCTTTGGATACAGTCAATAAAGGCCAA-3'